The following is an entry in ClinVar:

NM_001378454.1(ALMS1):c.4267A>T (p.Thr1423Ser)

Gene: ALMS1 (ALMS1 centrosome and basal body associated protein; plus strand). Cytogenetic location: 2p13.1.
Variant type: single nucleotide variant.
Coding change: c.4267A>T on transcript NM_001378454.1 (MANE Select); coding-DNA position 4267, A replaced by T.
Protein change: p.Thr1423Ser; replaces threonine 1423 with serine.
Molecular consequence: missense variant.
Genome position (GRCh38, 1-based): chr2:73,450,794, A>T. VCF-style: chr2-73450794-A-T. GRCh37 (hg19) VCF-style: chr2-73677921-A-T.
Other names: c.4270A>T, p.Thr1424Ser (NM_015120.4); short protein forms T1424S, T1423S.
Identifiers: ClinVar variation 550466 (VCV000550466.8), dbSNP rs746145270, ClinGen allele CA1713674.

ClinVar aggregate classification (germline): Conflicting classifications of pathogenicity. Review status: criteria provided, conflicting classifications (1 of 4 stars). 5 submissions from 5 submitters: Uncertain significance (3); Likely benign (1). 1 of the submissions does not count toward it. Last evaluated 2025-11-03.

Conditions:
Cardiovascular phenotype. Identifiers: MedGen CN230736.
Alstrom syndrome (ALMS). Identifiers: Orphanet 64, MedGen C0268425, MONDO:0008763, OMIM 203800.

Allele frequency attached by ClinVar (database versions not stated): gnomAD 0.00003; ExAC 0.00009.
gnomAD v4.1: 23 of 1,612,638 alleles (0.0014%); highest among the groups gnomAD compares: Admixed American, 0.038%; no homozygotes.

Submissions (5):

Labcorp Genetics (formerly Invitae), Labcorp
Classification: Uncertain significance for Alstrom syndrome. Last evaluated: 2025-11-03. Review status: criteria provided, single submitter. Criteria: Invitae Variant Classification Sherloc (09022015). Collection method: clinical testing. Allele origin: germline.
Comment: This sequence change replaces threonine, which is neutral and polar, with serine, which is neutral and polar, at codon 1424 of the ALMS1 protein (p.Thr1424Ser). This variant is present in population databases (rs746145270, gnomAD 0.06%). This variant has not been reported in the literature in individuals affected with ALMS1-related conditions. ClinVar contains an entry for this variant (Variation ID: 550466). An algorithm developed to predict the effect of missense changes on protein structure and function outputs the following: PolyPhen-2: "Not Available". The serine amino acid residue is found in multiple mammalian species, which suggests that this missense change does not adversely affect protein function. In summary, the available evidence is currently insufficient to determine the role of this variant in disease. Therefore, it has been classified as a Variant of Uncertain Significance.

GeneDx
Classification: Uncertain significance. Last evaluated: 2024-04-18. Review status: criteria provided, single submitter. Criteria: GeneDx Variant Classification Process June 2021. Collection method: clinical testing. Allele origin: germline. Affected: yes.
Comment: In silico analysis indicates that this missense variant does not alter protein structure/function; Has not been previously published as pathogenic or benign to our knowledge

Ambry Genetics
Classification: Likely benign for Cardiovascular phenotype. Last evaluated: 2024-01-23. Review status: criteria provided, single submitter. Criteria: Ambry Variant Classification Scheme 2023. Collection method: clinical testing. Allele origin: germline.

Fulgent Genetics
Classification: Uncertain significance for Alstrom syndrome. Last evaluated: 2022-01-06. Review status: criteria provided, single submitter. Criteria: ACMG Guidelines, 2015. Collection method: clinical testing. Allele origin: unknown.

Counsyl
Classification: Uncertain significance for Alstrom syndrome. Last evaluated: 2017-01-30. Review status: no assertion criteria provided. Collection method: clinical testing. Allele origin: unknown. Not counted in ClinVar's aggregate classification.

Literature cited by the submitters: PubMed 28518168 (cited by Ambry Genetics); PubMed 32461654 (cited by Ambry Genetics).